The following is an entry in ClinVar:

ClinVar aggregate classification (germline): Pathogenic. Review status: criteria provided, multiple submitters, no conflicts (2 of 4 stars). 7 submissions from 7 submitters: Pathogenic (6). 1 of the submissions does not count toward it. Last evaluated 2025-10-27.

Conditions:
NDUFV2-related disorder. Also called: NDUFV2-related condition.
Mitochondrial complex I deficiency, nuclear type 7. Also called: Mitochondrial complex 1 deficiency, nuclear type 7. Identifiers: MedGen C4748760, MONDO:0032612, OMIM 618229.

Submissions (7):

Labcorp Genetics (formerly Invitae), Labcorp
Classification: Pathogenic. Last evaluated: 2025-10-27. Review status: criteria provided, single submitter. Criteria: Invitae Variant Classification Sherloc (09022015). Collection method: clinical testing. Allele origin: germline.
Comment: This sequence change falls in intron 2 of the NDUFV2 gene. It does not directly change the encoded amino acid sequence of the NDUFV2 protein. RNA analysis indicates that this variant induces altered splicing and likely results in a shortened protein product. This variant is present in population databases (rs752670374, gnomAD 0.0009%). This variant has been observed in individuals with mitochondrial complex I deficiency (PMID: 12754703, 26008862, 38465286). This variant is also known as c.IVS2+1delGTAA, IVS2+5_+8delGTTA. ClinVar contains an entry for this variant (Variation ID: 279920). Variants that disrupt the consensus splice site are a relatively common cause of aberrant splicing (PMID: 17576681, 9536098). Studies have shown that this variant results in skipping of exon 2, but is expected to preserve the integrity of the reading-frame (PMID: 12754703). For these reasons, this variant has been classified as Pathogenic.

Department of Pediatrics, Government Thiruvarur Medical College and Hospital
Classification: Pathogenic for Mitochondrial complex I deficiency, nuclear type 7. Last evaluated: 2024-10-14. Review status: criteria provided, single submitter. Criteria: ACMG Guidelines, 2015. Collection method: clinical testing. Allele origin: germline. Inheritance: Autosomal recessive inheritance. Affected: yes. Observed: 1 homozygote.
Comment: The splice donor c.120+5_120+8del variant in NDUFV2 gene has been reported previously in individual(s) affected with NDUFV2 related disorders (Bénit et al., 2003) as hypertropic cardiomyopathy and encephalopathy.

Neuberg Centre For Genomic Medicine, NCGM
Classification: Pathogenic for Mitochondrial complex I deficiency, nuclear type 7. Last evaluated: 2024-02-01. Review status: criteria provided, single submitter. Criteria: ACMG Guidelines, 2015. Collection method: clinical testing. Allele origin: germline. Inheritance: Autosomal recessive inheritance. Affected: yes.
Comment: The splice donor c.120+5_120+8del variant in NDUFV2 gene has been reported previously in individual(s) affected with NDUFV2- related disorders (Bénit et al., 2003). Functional studies indicate that c.120+5_120+8delGTAA causes a significant reduction in the mitochondrial targeting ability of the NDUFV2 protein (Liu et al., 2011).

GeneDx
Classification: Pathogenic. Last evaluated: 2022-05-25. Review status: criteria provided, single submitter. Criteria: GeneDx Variant Classification Process June 2021. Collection method: clinical testing. Allele origin: germline. Affected: yes.
Comment: Published functional studies indicate that c.120+5_120+8delGTAA causes a significant reduction in the mitochondrial targeting ability of the NDUFV2 protein (Liu et al., 2011); Not observed at a significant frequency in large population cohorts (gnomAD); This variant is associated with the following publications: (PMID: 29554876, 11220739, 12754703, 26008862, 27126960, 30831263, 21548921)

Revvity Omics, Revvity
Classification: Pathogenic for Mitochondrial complex I deficiency, nuclear type 7. Last evaluated: 2022-03-29. Review status: criteria provided, single submitter. Criteria: ACMG Guidelines, 2015. Collection method: clinical testing. Allele origin: germline.

Blueprint Genetics
Classification: Pathogenic for NDUFV2-related disorders. Last evaluated: 2021-12-07. Review status: criteria provided, single submitter. Criteria: ACMG Guidelines, 2015. Collection method: clinical testing. Allele origin: germline. Affected: yes. Observed: 3 variant alleles.

OMIM
Classification: Pathogenic for MITOCHONDRIAL COMPLEX I DEFICIENCY, NUCLEAR TYPE 7. Last evaluated: 2003-06-01. Review status: no assertion criteria provided. Collection method: literature only. Allele origin: germline. Not counted in ClinVar's aggregate classification.

Literature cited by the submitters: PubMed 12754703 (cited by 3 submitters); PubMed 26008862 (cited by 3 submitters); PubMed 38465286 (cited by Labcorp Genetics (formerly Invitae), Labcorp); PubMed 17576681 (cited by Labcorp Genetics (formerly Invitae), Labcorp); PubMed 9536098 (cited by Labcorp Genetics (formerly Invitae), Labcorp); PubMed 11220739 (cited by OMIM); PubMed 19167255 (cited by OMIM).

NM_021074.5(NDUFV2):c.120+5_120+8del

Gene: NDUFV2 (NADH:ubiquinone oxidoreductase core subunit V2; plus strand). Cytogenetic location: 18p11.22.
Variant type: Microsatellite.
Coding change: c.120+5_120+8del on transcript NM_021074.5 (MANE Select); bases 5 to 8 of the intron after coding-DNA position 120, 4 bases deleted (GTAA; older notation c.120+5_120+8delGTAA).
Molecular consequence: splice donor variant.
Genome position (GRCh38, 1-based): chr18:9,117,908-9,117,911, GTAA deleted; deleting any 4 consecutive bases within chr18:9,117,904-9,117,911 gives the same sequence; the c. name uses the placement nearest the transcript's 3' end. VCF-style (leftmost placement, unchanged base first): chr18-9117903-GGTAA-G. GRCh37 (hg19) VCF-style: chr18-9117901-GGTAA-G.
Identifiers: ClinVar variation 279920 (VCV000279920.15), dbSNP rs752670374, ClinGen allele CA8887112.